The following is an entry in ClinVar:

ClinVar aggregate classification (germline): Uncertain significance. Review status: criteria provided, multiple submitters, no conflicts (2 of 4 stars). 2 submissions from 2 submitters: Uncertain significance (2). Last evaluated 2025-04-16.

Conditions:
Familial adenomatous polyposis 1 (FAP1). Also called: POLYPOSIS, ADENOMATOUS INTESTINAL; FAMILIAL ADENOMATOUS POLYPOSIS 1, ATTENUATED. Identifiers: MedGen C2713442, MONDO:0021056, OMIM 175100. Disease mechanism: loss of function.
Hereditary cancer-predisposing syndrome. Also called: Hereditary neoplastic syndrome; Neoplastic Syndromes, Hereditary; Hereditary Cancer Syndrome; Tumor predisposition. Identifiers: Orphanet 140162, MedGen C0027672, MeSH D009386, MONDO:0015356.

gnomAD v4.1: 4 of 1,614,158 alleles (0.00025%); highest among the groups gnomAD compares: Non-Finnish European, 0.00034%; no homozygotes.

Submissions (2):

Ambry Genetics
Classification: Uncertain significance for Hereditary cancer-predisposing syndrome. Last evaluated: 2025-04-16. Review status: criteria provided, single submitter. Criteria: Ambry Variant Classification Scheme 2023. Collection method: clinical testing. Allele origin: germline.
Comment: The p.P1594A variant (also known as c.4780C>G), located in coding exon 15 of the APC gene, results from a C to G substitution at nucleotide position 4780. The proline at codon 1594 is replaced by alanine, an amino acid with highly similar properties. This amino acid position is conserved. In addition, in silico predictors for this gene do not accurately predict pathogenicity. Based on the available evidence, the clinical significance of this variant remains unclear.

Labcorp Genetics (formerly Invitae), Labcorp
Classification: Uncertain significance for Familial adenomatous polyposis 1. Last evaluated: 2024-07-02. Review status: criteria provided, single submitter. Criteria: Invitae Variant Classification Sherloc (09022015). Collection method: clinical testing. Allele origin: germline.
Comment: This sequence change replaces proline, which is neutral and non-polar, with alanine, which is neutral and non-polar, at codon 1594 of the APC protein (p.Pro1594Ala). This variant is not present in population databases (gnomAD no frequency). This variant has not been reported in the literature in individuals affected with APC-related conditions. Advanced modeling of protein sequence and biophysical properties (such as structural, functional, and spatial information, amino acid conservation, physicochemical variation, residue mobility, and thermodynamic stability) performed at Invitae indicates that this missense variant is not expected to disrupt APC protein function with a negative predictive value of 95%. In summary, the available evidence is currently insufficient to determine the role of this variant in disease. Therefore, it has been classified as a Variant of Uncertain Significance.

NM_000038.6(APC):c.4780C>G (p.Pro1594Ala)

Gene: APC (APC regulator of Wnt signaling pathway; plus strand). Cytogenetic location: 5q22.2.
Variant type: single nucleotide variant.
Coding change: c.4780C>G on transcript NM_000038.6 (MANE Select); coding-DNA position 4780, C replaced by G.
Protein change: p.Pro1594Ala; replaces proline 1594 with alanine.
Molecular consequence: missense variant. On other transcripts: non-coding transcript variant (2).
Genome position (GRCh38, 1-based): chr5:112,840,374, C>G. VCF-style: chr5-112840374-C-G. GRCh37 (hg19) VCF-style: chr5-112176071-C-G.
Other names: c.4780C>G, p.Pro1594Ala (NM_001127510.3, NM_001354895.2, NM_001407450.1); c.4726C>G, p.Pro1576Ala (NM_001127511.3); c.4834C>G, p.Pro1612Ala (NM_001354896.2, NM_001407447.1, NM_001407448.1 and 1 more transcripts); c.4810C>G, p.Pro1604Ala (NM_001354897.2); c.4705C>G, p.Pro1569Ala (NM_001354898.2); c.4696C>G, p.Pro1566Ala (NM_001354899.2); c.4657C>G, p.Pro1553Ala (NM_001354900.2); c.4603C>G, p.Pro1535Ala (NM_001354901.2, NM_001407453.1); and 12 more; short protein forms P1465A, P1511A, P1535A, P1569A, P1604A, P1311A, P1434A, P1468A.
Identifiers: ClinVar variation 3712102 (VCV003712102.3).